The following is an entry in ClinVar:

NM_015629.4(PRPF31):c.1146+2T>C

Gene: PRPF31 (pre-mRNA processing factor 31; plus strand). Cytogenetic location: 19q13.42.
Variant type: single nucleotide variant.
Coding change: c.1146+2T>C on transcript NM_015629.4 (MANE Select); the canonical splice donor site of the intron after coding-DNA position 1146, T replaced by C.
Molecular consequence: splice donor variant.
Genome position (GRCh38, 1-based): chr19:54,128,379, T>C. VCF-style: chr19-54128379-T-C. GRCh37 (hg19) VCF-style: chr19-54631754-T-C.
Identifiers: ClinVar variation 2736926 (VCV002736926.4), dbSNP rs2073971890, ClinGen allele CA407754073.

ClinVar aggregate classification (germline): Pathogenic. Review status: criteria provided, multiple submitters, no conflicts (2 of 4 stars). 2 submissions from 2 submitters: Pathogenic (2). Last evaluated 2023-05-16.

Conditions:
PRPF31-related disorder. Also called: PRPF31-related condition.

Submissions (2):

Labcorp Genetics (formerly Invitae), Labcorp
Classification: Pathogenic. Last evaluated: 2023-05-16. Review status: criteria provided, single submitter. Criteria: Invitae Variant Classification Sherloc (09022015). Collection method: clinical testing. Allele origin: germline.
Comment: This sequence change affects a donor splice site in intron 11 of the PRPF31 gene. It is expected to disrupt RNA splicing. Variants that disrupt the donor or acceptor splice site typically lead to a loss of protein function (PMID: 16199547), and loss-of-function variants in PRPF31 are known to be pathogenic (PMID: 18317597, 23950152). This variant is not present in population databases (gnomAD no frequency). Algorithms developed to predict the effect of sequence changes on RNA splicing suggest that this variant may disrupt the consensus splice site. For these reasons, this variant has been classified as Pathogenic. Disruption of this splice site has been observed in individuals with autosomal dominant retinitis pigmentosa (PMID: 17325180, 29847639).

Blueprint Genetics
Classification: Pathogenic for PRPF31-related disorders. Last evaluated: 2019-06-11. Review status: criteria provided, single submitter. Criteria: ACMG Guidelines, 2015. Collection method: clinical testing. Allele origin: germline. Affected: yes. Observed: 1 variant allele.

Literature cited by the submitters: PubMed 16199547 (cited by Labcorp Genetics (formerly Invitae), Labcorp); PubMed 18317597 (cited by Labcorp Genetics (formerly Invitae), Labcorp); PubMed 23950152 (cited by Labcorp Genetics (formerly Invitae), Labcorp); PubMed 17325180 (cited by Labcorp Genetics (formerly Invitae), Labcorp); PubMed 29847639 (cited by Labcorp Genetics (formerly Invitae), Labcorp).